The following is an entry in ClinVar:

ClinVar aggregate classification (germline): Uncertain significance (1 of 4 stars; one submission).

Submission:

CeGaT Center for Human Genetics Tuebingen
Classification: Uncertain significance. Last evaluated: 2026-08-01. Review status: criteria provided, single submitter. Criteria: CeGaT Center For Human Genetics Tuebingen Variant Classification Criteria Version 2. Collection method: clinical testing. Allele origin: germline. Affected: yes. Observed: 1 variant allele.
Comment: NLRP12: PM2

NM_144687.4(NLRP12):c.609C>G (p.Asp203Glu)

Gene: NLRP12 (NLR family pyrin domain containing 12; minus strand). Cytogenetic location: 19q13.42.
Variant type: single nucleotide variant.
Coding change: c.609C>G on transcript NM_144687.4 (MANE Select); coding-DNA position 609, C replaced by G.
Protein change: p.Asp203Glu; replaces aspartic acid 203 with glutamic acid.
Molecular consequence: missense variant.
Genome position (GRCh38, 1-based): chr19:53,811,050, G>C on the plus strand (C>G on the coding strand, the complement: NLRP12 is on the minus strand). VCF-style: chr19-53811050-G-C. GRCh37 (hg19) VCF-style: chr19-54314304-G-C.
Other names: c.609C>G, p.Asp203Glu (NM_001277126.2, NM_001277129.1); short protein forms D203E.
Identifiers: ClinVar variation 5040672 (VCV005040672.1).